The following is an entry in ClinVar:

NM_023935.3(DDRGK1):c.534C>T (p.Arg178=)

Gene: DDRGK1 (DDRGK domain containing 1; minus strand). Cytogenetic location: 20p13.
Variant type: single nucleotide variant.
Coding change: c.534C>T on transcript NM_023935.3 (MANE Select); coding-DNA position 534, C replaced by T.
Protein change: p.Arg178=; no amino-acid change (arginine 178 retained).
Molecular consequence: synonymous variant.
Genome position (GRCh38, 1-based): chr20:3,195,330, G>A on the plus strand (C>T on the coding strand, the complement: DDRGK1 is on the minus strand). VCF-style: chr20-3195330-G-A. GRCh37 (hg19) VCF-style: chr20-3175976-G-A.
Identifiers: ClinVar variation 777516 (VCV000777516.14), dbSNP rs73891123, ClinGen allele CA9740877.

ClinVar aggregate classification (germline): Benign. Review status: criteria provided, multiple submitters, no conflicts (2 of 4 stars). 3 submissions from 3 submitters: Benign (2). 1 of the submissions does not count toward it. Last evaluated 2026-01-08.

Conditions:
DDRGK1-related disorder. Also called: DDRGK1-related condition.

Allele frequency attached by ClinVar (database versions not stated): gnomAD exomes 0.00212; ExAC 0.00256; 1000 Genomes Project 0.00519; 1000 Genomes Project 30x 0.00562; gnomAD 0.00661 and 0.00682; TOPMed 0.00788; ESP Exome Variant Server 0.00984.
gnomAD v4.1: 2,413 of 1,607,394 alleles (0.15%); highest among the groups gnomAD compares: African/African-American, 2.4%; 22 homozygotes.

Submissions (5):

Labcorp Genetics (formerly Invitae), Labcorp
Classification: Benign. Last evaluated: 2026-01-08. Review status: criteria provided, single submitter. Criteria: Invitae Variant Classification Sherloc (09022015). Collection method: clinical testing. Allele origin: germline.

Breakthrough Genomics
Classification: Benign. Review status: criteria provided, single submitter. Criteria: ACMG Guidelines, 2015. Collection method: not provided. Allele origin: germline. Inheritance: Autosomal recessive inheritance. Affected: yes.

PreventionGenetics, part of Exact Sciences
Classification: Benign for DDRGK1-related condition. Last evaluated: 2019-02-21. Review status: no assertion criteria provided. Collection method: clinical testing. Allele origin: germline. Not counted in ClinVar's aggregate classification.
Comment: This variant is classified as benign based on ACMG/AMP sequence variant interpretation guidelines (Richards et al. 2015 PMID: 25741868, with internal and published modifications).

Dr. Peter K. Rogan Lab, Western University
No classification provided (evidence only). Condition: Lung cancer. Review status: no classification provided. Collection method: in vitro. Allele origin: not applicable. Functional consequence: retained intron. Not counted in ClinVar's aggregate classification.

Dr. Peter K. Rogan Lab, Western University
No classification provided (evidence only). Condition: Cholangiocarcinoma. Review status: no classification provided. Collection method: in vitro. Allele origin: not applicable. Functional consequence: retained intron. Not counted in ClinVar's aggregate classification.